The following is an entry in ClinVar:

NM_004493.3(HSD17B10):c.545T>G (p.Ile182Ser)

Gene: HSD17B10 (hydroxysteroid 17-beta dehydrogenase 10; minus strand). Cytogenetic location: Xp11.22.
Variant type: single nucleotide variant.
Coding change: c.545T>G on transcript NM_004493.3 (MANE Select); coding-DNA position 545, T replaced by G.
Protein change: p.Ile182Ser; replaces isoleucine 182 with serine.
Molecular consequence: missense variant.
Genome position (GRCh38, 1-based): chrX:53,431,848, A>C on the plus strand (T>G on the coding strand, the complement: HSD17B10 is on the minus strand). VCF-style: chrX-53431848-A-C. GRCh37 (hg19) VCF-style: chrX-53458796-A-C.
Other names: c.545T>G, p.Ile182Ser (NM_001037811.2); short protein forms I182S.
Identifiers: ClinVar variation 1477980 (VCV001477980.6), dbSNP rs2146627904, ClinGen allele CA413151367.

ClinVar aggregate classification (germline): Uncertain significance (1 of 4 stars; one submission).

Submission:

Labcorp Genetics (formerly Invitae), Labcorp
Classification: Uncertain significance. Last evaluated: 2021-11-11. Review status: criteria provided, single submitter. Criteria: Invitae Variant Classification Sherloc (09022015). Collection method: clinical testing. Allele origin: germline.
Comment: Algorithms developed to predict the effect of missense changes on protein structure and function (SIFT, PolyPhen-2, Align-GVGD) all suggest that this variant is likely to be disruptive. This sequence change replaces isoleucine, which is neutral and non-polar, with serine, which is neutral and polar, at codon 182 of the HSD17B10 protein (p.Ile182Ser). This variant is not present in population databases (gnomAD no frequency). This variant has not been reported in the literature in individuals affected with HSD17B10-related conditions. In summary, the available evidence is currently insufficient to determine the role of this variant in disease. Therefore, it has been classified as a Variant of Uncertain Significance.